The following is an entry in ClinVar:

ClinVar aggregate classification (germline): Uncertain significance (1 of 4 stars; one submission).

Submission:

Labcorp Genetics (formerly Invitae), Labcorp
Classification: Uncertain significance. Last evaluated: 2025-12-24. Review status: criteria provided, single submitter. Criteria: Invitae Variant Classification Sherloc (09022015). Collection method: clinical testing. Allele origin: germline.
Comment: This sequence change affects codon 142 of the MAD2L2 mRNA. It is a 'silent' change, meaning that it does not change the encoded amino acid sequence of the MAD2L2 protein. It affects a nucleotide within the consensus splice site. This variant is not present in population databases (gnomAD no frequency). This variant has not been reported in the literature in individuals affected with MAD2L2-related conditions. Algorithms developed to predict the effect of sequence changes on RNA splicing suggest that this variant is not likely to affect RNA splicing. In summary, the available evidence is currently insufficient to determine the role of this variant in disease. Therefore, it has been classified as a Variant of Uncertain Significance.

NM_006341.4(MAD2L2):c.426A>T (p.Pro142=)

Gene: MAD2L2 (mitotic arrest deficient 2 like 2; minus strand). Cytogenetic location: 1p36.22.
Variant type: single nucleotide variant.
Coding change: c.426A>T on transcript NM_006341.4 (MANE Select); coding-DNA position 426, A replaced by T.
Protein change: p.Pro142=; no amino-acid change (proline 142 retained).
Molecular consequence: synonymous variant.
Genome position (GRCh38, 1-based): chr1:11,676,047, T>A on the plus strand (A>T on the coding strand, the complement: MAD2L2 is on the minus strand). VCF-style: chr1-11676047-T-A. GRCh37 (hg19) VCF-style: chr1-11736104-T-A.
Other names: c.426A>T, p.Pro142= (NM_001127325.2).
Identifiers: ClinVar variation 4734135 (VCV004734135.1).